The following is an entry in ClinVar:

NM_014319.5(LEMD3):c.1081_1090del (p.Asn360_Ala361insTer)

Genes: LEMD3 (LEM domain containing 3; plus strand), LOC130008225 (ATAC-STARR-seq lymphoblastoid active region 6608; plus strand). Cytogenetic location: 12q14.3.
Variant type: Deletion.
Coding change: c.1081_1090del on transcript NM_014319.5 (MANE Select); coding-DNA positions 1081 to 1090, 10 bases deleted (GCTAAGAAAC; older notation c.1081_1090delGCTAAGAAAC).
Protein change: p.Asn360_Ala361insTer.
Molecular consequence: nonsense.
Genome position (GRCh38, 1-based): chr12:65,170,677-65,170,686, GCTAAGAAAC deleted; deleting any 10 consecutive bases within chr12:65,170,674-65,170,686 gives the same sequence; the c. name uses the placement nearest the transcript's 3' end. VCF-style (leftmost placement, unchanged base first): chr12-65170673-TAACGCTAAGA-T. GRCh37 (hg19) VCF-style: chr12-65564453-TAACGCTAAGA-T.
Other names: c.1081_1090del, p.Asn360_Ala361insTer (NM_001167614.2).
Identifiers: ClinVar variation 3346957 (VCV003346957.1).

ClinVar aggregate classification (germline): Likely pathogenic (0 of 4 stars; one submission).

Conditions:
LEMD3-related disorder. Also called: LEMD3-related condition.

Submission:

PreventionGenetics, part of Exact Sciences
Classification: Likely pathogenic for LEMD3-related condition. Last evaluated: 2024-03-29. Review status: no assertion criteria provided. Collection method: clinical testing. Allele origin: germline.
Comment: The LEMD3 c.1081_1090del10 variant is predicted to result in premature protein termination (p.Ala361*). To our knowledge, this variant has not been reported in the literature or in a large population database, indicating this variant is rare. Nonsense variants in LEMD3 are expected to be pathogenic. This variant is interpreted as likely pathogenic.